The following is an entry in ClinVar:

NM_014258.4(SYCP2):c.485C>G (p.Ser162Ter)

Gene: SYCP2 (synaptonemal complex protein 2; minus strand). Cytogenetic location: 20q13.33.
Variant type: single nucleotide variant.
Coding change: c.485C>G on transcript NM_014258.4 (MANE Select); coding-DNA position 485, C replaced by G.
Protein change: p.Ser162Ter; replaces serine 162 with a stop codon.
Molecular consequence: nonsense.
Genome position (GRCh38, 1-based): chr20:59,916,514, G>C on the plus strand (C>G on the coding strand, the complement: SYCP2 is on the minus strand). VCF-style: chr20-59916514-G-C. GRCh37 (hg19) VCF-style: chr20-58491569-G-C.
Other names: short protein forms S162*.
Identifiers: ClinVar variation 5018985 (VCV005018985.2).
Genomic context (GRCh38, chr20:59,916,514, plus strand): 5'-TTAGTTTTTAAAACACAAATAAATGACTTTACCTCTTGCTGAATACAAATATTCACTCTT[G>C]AGTCAATAACCAGGGAACAAATGCGAGGTACGAAACTTTCCACTACTTGTTTTTTACCTG-3'

ClinVar aggregate classification (germline): Uncertain significance (1 of 4 stars; one submission).

Conditions:
Oligosynaptic infertility (SPGF1). Also called: OLIGOCHIASMATIC INFERTILITY; SPERMATOGENIC FAILURE 1. Identifiers: MedGen C0403810, MONDO:0009776, OMIM 258150.

Submission:

Juno Genomics, Hangzhou Juno Genomics, Inc
Classification: Uncertain significance for Oligosynaptic infertility. Review status: criteria provided, single submitter. Criteria: ACMG Guidelines, 2015. Collection method: clinical testing. Allele origin: germline.
Comment: Absent from controls (or at extremely low frequency if recessive) in Genome Aggregation Database.